The following is an entry in ClinVar:

NM_015178.3(RHOBTB2):c.2094dup (p.Arg699fs)

Gene: RHOBTB2 (Rho related BTB domain containing 2; plus strand). Cytogenetic location: 8p21.3.
Variant type: Duplication.
Coding change: c.2094dup on transcript NM_015178.3 (MANE Select); coding-DNA position 2094, one base duplicated (A; older notation c.2094dupA).
Protein change: p.Arg699fs; shifts the reading frame from arginine 699.
Molecular consequence: frameshift variant.
Genome position (GRCh38, 1-based): chr8:23,017,379, A duplicated; the last of 3 consecutive A bases (chr8:23,017,377-23,017,379); duplicating any one gives the same sequence. VCF-style (leftmost placement, unchanged base first): chr8-23017376-C-CA. GRCh37 (hg19) VCF-style: chr8-22874889-C-CA.
Other names: c.2160dup, p.Arg721fs (NM_001160036.2); c.2115dup, p.Arg706fs (NM_001160037.2); c.2094dup, p.Arg699fs (NM_001374791.1); short protein forms R699fs, R706fs, R721fs.
Identifiers: ClinVar variation 2027798 (VCV002027798.4), dbSNP rs2487057845, ClinGen allele CA2580078078.

ClinVar aggregate classification (germline): Uncertain significance (1 of 4 stars; one submission).

Submission:

Labcorp Genetics (formerly Invitae), Labcorp
Classification: Uncertain significance. Last evaluated: 2022-08-29. Review status: criteria provided, single submitter. Criteria: Invitae Variant Classification Sherloc (09022015). Collection method: clinical testing. Allele origin: germline.
Comment: In summary, the available evidence is currently insufficient to determine the role of this variant in disease. Therefore, it has been classified as a Variant of Uncertain Significance. Experimental studies and prediction algorithms are not available or were not evaluated, and the functional significance of this variant is currently unknown. This variant has not been reported in the literature in individuals affected with RHOBTB2-related conditions. This variant is not present in population databases (gnomAD no frequency). This sequence change results in a frameshift in the RHOBTB2 gene (p.Arg721Thrfs*160). While this is not anticipated to result in nonsense mediated decay, it is expected to disrupt the last 29 amino acid(s) of the RHOBTB2 protein and extend the protein by 130 additional amino acid residues.